The following is an entry in ClinVar:

NM_001330360.2(POLA1):c.3949A>G (p.Ser1317Gly)

Gene: POLA1 (DNA polymerase alpha 1, catalytic subunit; plus strand). Cytogenetic location: Xp22.11.
Variant type: single nucleotide variant.
Coding change: c.3949A>G on transcript NM_001330360.2 (MANE Select); coding-DNA position 3949, A replaced by G.
Protein change: p.Ser1317Gly; replaces serine 1317 with glycine.
Molecular consequence: missense variant. On other transcripts: non-coding transcript variant (2).
Genome position (GRCh38, 1-based): chrX:24,843,579, A>G. VCF-style: chrX-24843579-A-G. GRCh37 (hg19) VCF-style: chrX-24861696-A-G.
Other names: c.3874A>G, p.Ser1292Gly (NM_001378303.1); c.3931A>G, p.Ser1311Gly (NM_016937.4); short protein forms S1292G, S1311G, S1317G.
Identifiers: ClinVar variation 3610585 (VCV003610585.2).

ClinVar aggregate classification (germline): Uncertain significance (1 of 4 stars; one submission).

gnomAD v4.1: 4 of 1,189,615 alleles (0.00034%); no homozygotes.

Submission:

Labcorp Genetics (formerly Invitae), Labcorp
Classification: Uncertain significance. Last evaluated: 2025-02-02. Review status: criteria provided, single submitter. Criteria: Invitae Variant Classification Sherloc (09022015). Collection method: clinical testing. Allele origin: germline.
Comment: This sequence change replaces serine, which is neutral and polar, with glycine, which is neutral and non-polar, at codon 1311 of the POLA1 protein (p.Ser1311Gly). This variant is not present in population databases (gnomAD no frequency). This variant has not been reported in the literature in individuals affected with POLA1-related conditions. Invitae Evidence Modeling of protein sequence and biophysical properties (such as structural, functional, and spatial information, amino acid conservation, physicochemical variation, residue mobility, and thermodynamic stability) indicates that this missense variant is not expected to disrupt POLA1 protein function with a negative predictive value of 80%. In summary, the available evidence is currently insufficient to determine the role of this variant in disease. Therefore, it has been classified as a Variant of Uncertain Significance.